The following is an entry in ClinVar:

NM_018249.6(CDK5RAP2):c.4114C>T (p.Arg1372Ter)

Gene: CDK5RAP2 (CDK5 regulatory subunit associated protein 2; minus strand). Cytogenetic location: 9q33.2.
Variant type: single nucleotide variant.
Coding change: c.4114C>T on transcript NM_018249.6 (MANE Select); coding-DNA position 4114, C replaced by T.
Protein change: p.Arg1372Ter; replaces arginine 1372 with a stop codon.
Molecular consequence: nonsense. On other transcripts: non-coding transcript variant (5).
Genome position (GRCh38, 1-based): chr9:120,419,851, G>A on the plus strand (C>T on the coding strand, the complement: CDK5RAP2 is on the minus strand). VCF-style: chr9-120419851-G-A. GRCh37 (hg19) VCF-style: chr9-123182129-G-A.
Other names: c.3424C>T, p.Arg1142Ter (NM_001272039.2); c.4114C>T, p.Arg1372Ter (NM_001011649.3); short protein forms R1372*, R1142*.
Identifiers: ClinVar variation 873462 (VCV000873462.1), dbSNP rs746967357, ClinGen allele CA5213660.

ClinVar aggregate classification (germline): Likely pathogenic (1 of 4 stars; one submission).

Conditions:
Microcephaly 3, primary, autosomal recessive. Identifiers: Orphanet 2512, MedGen C1858108, MONDO:0011488, OMIM 604804.

Allele frequency attached by ClinVar (database versions not stated): TOPMed below 0.00001; ExAC 0.00001; gnomAD 0.00001; gnomAD exomes 0.00001 and 0.00003.
gnomAD v4.1: 46 of 1,613,584 alleles (0.0029%); highest among the groups gnomAD compares: East Asian, 0.0045%; no homozygotes.

Submission:

UNC Molecular Genetics  Laboratory, University of North Carolina at Chapel Hill
Classification: Likely pathogenic for Primary autosomal recessive microcephaly 3. Review status: criteria provided, single submitter. Criteria: ACMG Guidelines, 2015. Collection method: research. Allele origin: germline. Affected: no. Observed: 1 variant allele. Study: NSIGHT-NC NEXUS.
Comment: The CDK5RAP2 c.4114C>T (p.R1372*) nonsense variant is predicted to result in an absent or aberrant protein. This variant has been reported in the homozygous state in two siblings (brother and sister) with primary microcephaly (PMID: 28004182).

carrier finding

Literature cited by the submitters: PubMed 28004182.